The following is an entry in ClinVar:

ClinVar aggregate classification (germline): Uncertain significance (1 of 4 stars; one submission).

Conditions:
Dilated cardiomyopathy 1DD (CMD1DD). Identifiers: Orphanet 154, MedGen C2750995, MONDO:0013168, OMIM 613172.

Submission:

Labcorp Genetics (formerly Invitae), Labcorp
Classification: Uncertain significance for Dilated cardiomyopathy 1DD. Last evaluated: 2023-05-25. Review status: criteria provided, single submitter. Criteria: Invitae Variant Classification Sherloc (09022015). Collection method: clinical testing. Allele origin: germline.
Comment: In summary, the available evidence is currently insufficient to determine the role of this variant in disease. Therefore, it has been classified as a Variant of Uncertain Significance. Advanced modeling of protein sequence and biophysical properties (such as structural, functional, and spatial information, amino acid conservation, physicochemical variation, residue mobility, and thermodynamic stability) performed at Invitae indicates that this missense variant is not expected to disrupt RBM20 protein function. This variant has not been reported in the literature in individuals affected with RBM20-related conditions. This variant is not present in population databases (gnomAD no frequency). This sequence change replaces leucine, which is neutral and non-polar, with isoleucine, which is neutral and non-polar, at codon 1094 of the RBM20 protein (p.Leu1094Ile).

NM_001134363.3(RBM20):c.3280C>A (p.Leu1094Ile)

Gene: RBM20 (RNA binding motif protein 20; plus strand). Cytogenetic location: 10q25.2.
Variant type: single nucleotide variant.
Coding change: c.3280C>A on transcript NM_001134363.3 (MANE Select); coding-DNA position 3280, C replaced by A.
Protein change: p.Leu1094Ile; replaces leucine 1094 with isoleucine.
Molecular consequence: missense variant.
Genome position (GRCh38, 1-based): chr10:110,821,899, C>A. VCF-style: chr10-110821899-C-A. GRCh37 (hg19) VCF-style: chr10-112581657-C-A.
Other names: short protein forms L1094I.
Identifiers: ClinVar variation 2719631 (VCV002719631.3), dbSNP rs2493495703, ClinGen allele CA378382459.
Genomic context (GRCh38, chr10:110,821,899, plus strand): 5'-GATGGGGCTTGTGAAGGCAGCCCCCTGGAGGAGAAAGCCAGCCCCCCCATCGAAACTGAC[C>A]TCCAAAACCAAGCTTGCCAAGAAGTGTTGACCCCGGGTAACTATCTCCCCTTTCCTCACG-3'
Protein context (NP_001127835.2, residues 1084-1104): EKASPPIETD[Leu1094Ile]QNQACQEVLT